The following is an entry in ClinVar:

ClinVar aggregate classification (germline): Benign (1 of 4 stars; one submission).

Conditions:
Landau-Kleffner syndrome (FESD). Also called: EPILEPSY, FOCAL, WITH SPEECH DISORDER AND WITH OR WITHOUT MENTAL RETARDATION; APHASIA, ACQUIRED, WITH EPILEPSY. Identifiers: Orphanet 1945, Orphanet 725, Orphanet 98818, MedGen C0282512, MONDO:0009509, OMIM 245570.

Allele frequency attached by ClinVar (database versions not stated): 1000 Genomes Project 30x 0.03357; gnomAD exomes 0.01594; 1000 Genomes Project 0.03195; gnomAD 0.03139 and 0.03330; TOPMed 0.03507.
gnomAD v4.1: 6,060 of 232,712 alleles (2.6%); highest among the groups gnomAD compares: African/African-American, 8.3%; 155 homozygotes.

Submission:

Illumina Laboratory Services, Illumina
Classification: Benign for Landau-Kleffner syndrome. Last evaluated: 2018-01-13. Review status: criteria provided, single submitter. Criteria: ICSL Variant Classification Criteria 13 December 2019. Collection method: clinical testing. Allele origin: germline.
Comment: This variant was observed in the ICSL laboratory as part of a predisposition screen in an ostensibly healthy population. It had not been previously curated by ICSL or reported in the Human Gene Mutation Database (HGMD: prior to June 1st, 2018), and was therefore a candidate for classification through an automated scoring system. Utilizing variant allele frequency, disease prevalence and penetrance estimates, and inheritance mode, an automated score was calculated to assess if this variant is too frequent to cause the disease. Based on the score and internal cut-off values, a variant classified as benign is not then subjected to further curation. The score for this variant resulted in a classification of benign for this disease.

NM_001134407.3(GRIN2A):c.*2017C>G

Gene: GRIN2A (glutamate ionotropic receptor NMDA type subunit 2A; minus strand). Cytogenetic location: 16p13.2.
Variant type: single nucleotide variant.
Coding change: c.*2017C>G on transcript NM_001134407.3 (MANE Select); 2017 bases downstream of the stop codon, C replaced by G.
Molecular consequence: 3 prime UTR variant.
Genome position (GRCh38, 1-based): chr16:9,761,132, G>C on the plus strand (C>G on the coding strand, the complement: GRIN2A is on the minus strand). VCF-style: chr16-9761132-G-C. GRCh37 (hg19) VCF-style: chr16-9854989-G-C.
Other names: c.*2017C>G (NM_000833.5); c.*2223C>G (NM_001134408.2).
Identifiers: ClinVar variation 321573 (VCV000321573.5), dbSNP rs112151383, ClinGen allele CA10638775.